The following is an entry in ClinVar:

ClinVar aggregate classification (germline): Uncertain significance. Review status: criteria provided, multiple submitters, no conflicts (2 of 4 stars). 2 submissions from 2 submitters: Uncertain significance (2). Last evaluated 2024-08-17.

Conditions:
Hereditary cancer-predisposing syndrome. Also called: Neoplastic Syndromes, Hereditary; Tumor predisposition; Hereditary Cancer Syndrome; Hereditary neoplastic syndrome. Identifiers: Orphanet 140162, MedGen C0027672, MeSH D009386, MONDO:0015356.

Submissions (2):

Ambry Genetics
Classification: Uncertain significance for Hereditary cancer-predisposing syndrome. Last evaluated: 2024-08-17. Review status: criteria provided, single submitter. Criteria: Ambry Variant Classification Scheme 2023. Collection method: clinical testing. Allele origin: germline.
Comment: The p.D485Y variant (also known as c.1453G>T), located in coding exon 10 of the CTNNA1 gene, results from a G to T substitution at nucleotide position 1453. The aspartic acid at codon 485 is replaced by tyrosine, an amino acid with highly dissimilar properties. This amino acid position is conserved. In addition, this alteration is predicted to be deleterious by in silico analysis. Based on the available evidence, the clinical significance of this variant remains unclear.

Labcorp Genetics (formerly Invitae), Labcorp
Classification: Uncertain significance. Last evaluated: 2023-01-24. Review status: criteria provided, single submitter. Criteria: Invitae Variant Classification Sherloc (09022015). Collection method: clinical testing. Allele origin: germline.
Comment: In summary, the available evidence is currently insufficient to determine the role of this variant in disease. Therefore, it has been classified as a Variant of Uncertain Significance. Advanced modeling of protein sequence and biophysical properties (such as structural, functional, and spatial information, amino acid conservation, physicochemical variation, residue mobility, and thermodynamic stability) has been performed at Invitae for this missense variant, however the output from this modeling did not meet the statistical confidence thresholds required to predict the impact of this variant on CTNNA1 protein function. This variant has not been reported in the literature in individuals affected with CTNNA1-related conditions. This variant is not present in population databases (gnomAD no frequency). This sequence change replaces aspartic acid, which is acidic and polar, with tyrosine, which is neutral and polar, at codon 485 of the CTNNA1 protein (p.Asp485Tyr).

NM_001903.5(CTNNA1):c.1453G>T (p.Asp485Tyr)

Gene: CTNNA1 (catenin alpha 1; plus strand). Cytogenetic location: 5q31.2.
Variant type: single nucleotide variant.
Coding change: c.1453G>T on transcript NM_001903.5 (MANE Select); coding-DNA position 1453, G replaced by T.
Protein change: p.Asp485Tyr; replaces aspartic acid 485 with tyrosine.
Molecular consequence: missense variant.
Genome position (GRCh38, 1-based): chr5:138,917,805, G>T. VCF-style: chr5-138917805-G-T. GRCh37 (hg19) VCF-style: chr5-138253494-G-T.
Other names: c.1453G>T (NM_001903.2); c.1453G>T, p.Asp485Tyr (NM_001290307.3, NM_001323982.2, NM_001323983.1 and 2 more transcripts); c.1144G>T, p.Asp382Tyr (NM_001290309.3); c.1084G>T, p.Asp362Tyr (NM_001290310.3); c.343G>T, p.Asp115Tyr (NM_001290312.1, NM_001323987.1, NM_001323988.1 and 17 more transcripts); c.1360G>T, p.Asp454Tyr (NM_001323986.2); c.4G>T, p.Asp2Tyr (NM_001324006.1, NM_001324007.1, NM_001324008.1 and 2 more transcripts); c.250G>T, p.Asp84Tyr (NM_001324011.1); and 1 more; short protein forms D115Y, D34Y, D382Y, D485Y, D2Y, D362Y, D454Y, D84Y.
Identifiers: ClinVar variation 2831529 (VCV002831529.4), dbSNP rs2533589315, ClinGen allele CA361137219.